The following is an entry in ClinVar:

NM_017654.4(SAMD9):c.1573A>T (p.Ile525Phe)

Gene: SAMD9 (sterile alpha motif domain containing 9; minus strand). Cytogenetic location: 7q21.2.
Variant type: single nucleotide variant.
Coding change: c.1573A>T on transcript NM_017654.4 (MANE Select); coding-DNA position 1573, A replaced by T.
Protein change: p.Ile525Phe; replaces isoleucine 525 with phenylalanine.
Molecular consequence: missense variant.
Genome position (GRCh38, 1-based): chr7:93,104,525, T>A on the plus strand (A>T on the coding strand, the complement: SAMD9 is on the minus strand). VCF-style: chr7-93104525-T-A. GRCh37 (hg19) VCF-style: chr7-92733838-T-A.
Other names: c.1573A>T, p.Ile525Phe (NM_001193307.2); short protein forms I525F.
Identifiers: ClinVar variation 1801100 (VCV001801100.2), dbSNP rs2535360318, ClinGen allele CA368195804.

ClinVar aggregate classification (germline): Uncertain significance. Review status: criteria provided, multiple submitters, no conflicts (2 of 4 stars). 2 submissions from 2 submitters: Uncertain significance (2). Last evaluated 2024-12-22.

Conditions:
Inborn genetic diseases. Identifiers: MedGen C0950123, MeSH D030342.

Submissions (2):

Ambry Genetics
Classification: Uncertain significance for Inborn genetic diseases. Last evaluated: 2024-12-22. Review status: criteria provided, single submitter. Criteria: Ambry Variant Classification Scheme 2023. Collection method: clinical testing. Allele origin: germline.
Comment: The p.I525F variant (also known as c.1573A>T), located in coding exon 1 of the SAMD9 gene, results from an A to T substitution at nucleotide position 1573. The isoleucine at codon 525 is replaced by phenylalanine, an amino acid with highly similar properties. This amino acid position is conserved. In addition, this alteration is predicted to be tolerated by in silico analysis. Based on the available evidence, the clinical significance of this variant remains unclear.

GeneDx
Classification: Uncertain significance. Last evaluated: 2022-05-20. Review status: criteria provided, single submitter. Criteria: GeneDx Variant Classification Process June 2021. Collection method: clinical testing. Allele origin: germline. Affected: yes.
Comment: Not observed at significant frequency in large population cohorts (gnomAD); In silico analysis supports that this missense variant does not alter protein structure/function; Has not been previously published as pathogenic or benign to our knowledge; This variant is associated with the following publications: (PMID: 28545555)